The following is an entry in ClinVar:

ClinVar aggregate classification (germline): Benign/Likely benign. Review status: criteria provided, multiple submitters, no conflicts (2 of 4 stars). 3 submissions from 3 submitters: Benign (1); Likely benign (1). 1 of the submissions does not count toward it. Last evaluated 2026-01-05.

Conditions:
ROR1-related disorder. Also called: ROR1-related condition.

Allele frequency attached by ClinVar (database versions not stated): gnomAD exomes 0.00006; gnomAD 0.00015; ExAC 0.00022; TOPMed 0.00022; 1000 Genomes Project 30x 0.00062; 1000 Genomes Project 0.00080.
gnomAD v4.1: 117 of 1,613,658 alleles (0.0073%); highest among the groups gnomAD compares: East Asian, 0.21%; no homozygotes.

Submissions (3):

Labcorp Genetics (formerly Invitae), Labcorp
Classification: Benign. Last evaluated: 2026-01-05. Review status: criteria provided, single submitter. Criteria: Invitae Variant Classification Sherloc (09022015). Collection method: clinical testing. Allele origin: germline.

Blueprint Genetics
Classification: Likely benign. Last evaluated: 2022-12-21. Review status: criteria provided, single submitter. Criteria: ACMG Guidelines, 2015. Collection method: clinical testing. Allele origin: germline.

PreventionGenetics, part of Exact Sciences
Classification: Likely benign for ROR1-related condition. Last evaluated: 2023-12-29. Review status: no assertion criteria provided. Collection method: clinical testing. Allele origin: germline. Not counted in ClinVar's aggregate classification.
Comment: This variant is classified as likely benign based on ACMG/AMP sequence variant interpretation guidelines (Richards et al. 2015 PMID: 25741868, with internal and published modifications).

NM_005012.4(ROR1):c.2784C>T (p.His928=)

Gene: ROR1 (ROR family WNT receptor 1; plus strand). Cytogenetic location: 1p31.3.
Variant type: single nucleotide variant.
Coding change: c.2784C>T on transcript NM_005012.4 (MANE Select); coding-DNA position 2784, C replaced by T.
Protein change: p.His928=; no amino-acid change (histidine 928 retained).
Molecular consequence: synonymous variant.
Genome position (GRCh38, 1-based): chr1:64,178,825, C>T. VCF-style: chr1-64178825-C-T. GRCh37 (hg19) VCF-style: chr1-64644508-C-T.
Other names: c.2784C>T (NM_005012.3).
Identifiers: ClinVar variation 2713720 (VCV002713720.6), dbSNP rs373461066, ClinGen allele CA890473.